The following is an entry in ClinVar:

ClinVar aggregate classification (germline): Uncertain significance (1 of 4 stars; one submission).

Conditions:
Kabuki syndrome. Also called: NIIKAWA-KUROKI SYNDROME; Kabuki make-up syndrome. Identifiers: Orphanet 2322, MedGen C0796004, MONDO:0016512.

Submission:

Labcorp Genetics (formerly Invitae), Labcorp
Classification: Uncertain significance for Kabuki syndrome. Last evaluated: 2023-08-17. Review status: criteria provided, single submitter. Criteria: Invitae Variant Classification Sherloc (09022015). Collection method: clinical testing. Allele origin: germline.
Comment: This variant is not present in population databases (gnomAD no frequency). This sequence change replaces aspartic acid, which is acidic and polar, with asparagine, which is neutral and polar, at codon 12 of the KMT2D protein (p.Asp12Asn). This variant has not been reported in the literature in individuals affected with KMT2D-related conditions. In summary, the available evidence is currently insufficient to determine the role of this variant in disease. Therefore, it has been classified as a Variant of Uncertain Significance. Advanced modeling of protein sequence and biophysical properties (such as structural, functional, and spatial information, amino acid conservation, physicochemical variation, residue mobility, and thermodynamic stability) performed at Invitae indicates that this missense variant is not expected to disrupt KMT2D protein function.

NM_003482.4(KMT2D):c.34G>A (p.Asp12Asn)

Gene: KMT2D (lysine methyltransferase 2D; minus strand). Cytogenetic location: 12q13.12.
Variant type: single nucleotide variant.
Coding change: c.34G>A on transcript NM_003482.4 (MANE Select); coding-DNA position 34, G replaced by A.
Protein change: p.Asp12Asn; replaces aspartic acid 12 with asparagine.
Molecular consequence: missense variant.
Genome position (GRCh38, 1-based): chr12:49,055,291, C>T on the plus strand (G>A on the coding strand, the complement: KMT2D is on the minus strand). VCF-style: chr12-49055291-C-T. GRCh37 (hg19) VCF-style: chr12-49449074-C-T.
Other names: short protein forms D12N.
Identifiers: ClinVar variation 2804000 (VCV002804000.3), dbSNP rs2120718350, ClinGen allele CA384691281.